The following is an entry in ClinVar:

NM_001369.3(DNAH5):c.3155_3162dup (p.Leu1055fs)

Genes: DNAH5 (dynein axonemal heavy chain 5; minus strand), DNAH5-AS1 (DNAH5 antisense RNA 1; plus strand). Cytogenetic location: 5p15.2.
Variant type: Duplication.
Coding change: c.3155_3162dup on transcript NM_001369.3 (MANE Select); coding-DNA positions 3155 to 3162, 8 bases duplicated (GCAGTGAA; older notation c.3155_3162dupGCAGTGAA).
Protein change: p.Leu1055fs; shifts the reading frame from leucine 1055.
Molecular consequence: frameshift variant.
Genome position (GRCh38, 1-based): chr5:13,882,916-13,882,923, TTCACTGC duplicated on the plus strand (GCAGTGAA on the coding strand, the reverse complement: DNAH5 is on the minus strand); duplicating any 8 consecutive bases within chr5:13,882,916-13,882,924 gives the same sequence; the c. name uses the placement nearest the transcript's 3' end. VCF-style (leftmost placement, unchanged base first): chr5-13882915-G-GTTCACTGC. GRCh37 (hg19) VCF-style: chr5-13883024-G-GTTCACTGC.
Other names: short protein forms L1055fs.
Identifiers: ClinVar variation 1409969 (VCV001409969.6), dbSNP rs2151938387, ClinGen allele CA2573138500.

ClinVar aggregate classification (germline): Pathogenic (1 of 4 stars; one submission).

Conditions:
Primary ciliary dyskinesia. Also called: Ciliary dyskinesia. Identifiers: Orphanet 244, MedGen C0008780, MONDO:0016575, HP:0012265.

Submission:

Labcorp Genetics (formerly Invitae), Labcorp
Classification: Pathogenic for Primary ciliary dyskinesia. Last evaluated: 2021-02-02. Review status: criteria provided, single submitter. Criteria: Invitae Variant Classification Sherloc (09022015). Collection method: clinical testing. Allele origin: germline.
Comment: For these reasons, this variant has been classified as Pathogenic. This variant has not been reported in the literature in individuals with DNAH5-related conditions. This variant is not present in population databases (ExAC no frequency). This sequence change creates a premature translational stop signal (p.Leu1055Alafs*41) in the DNAH5 gene. It is expected to result in an absent or disrupted protein product. Loss-of-function variants in DNAH5 are known to be pathogenic (PMID: 11788826, 16627867).

Literature cited by the submitters: PubMed 11788826; PubMed 16627867.